The following is an entry in ClinVar:

ClinVar aggregate classification (germline): Benign/Likely benign. Review status: criteria provided, multiple submitters, no conflicts (2 of 4 stars). 4 submissions from 4 submitters: Benign (2); Likely benign (1). 1 of the submissions does not count toward it. Last evaluated 2025-12-22.

Conditions:
PYROXD1-related disorder. Also called: PYROXD1-related condition.

Allele frequency attached by ClinVar (database versions not stated): ExAC 0.00057; 1000 Genomes Project 0.00140; gnomAD 0.00154 and 0.00165; gnomAD exomes 0.00012 and 0.00036; TOPMed 0.00174; 1000 Genomes Project 30x 0.00187; ESP Exome Variant Server 0.00216.
gnomAD v4.1: 419 of 1,589,852 alleles (0.026%); highest among the groups gnomAD compares: African/African-American, 0.5%; 2 homozygotes.

Submissions (4):

Labcorp Genetics (formerly Invitae), Labcorp
Classification: Benign. Last evaluated: 2025-12-22. Review status: criteria provided, single submitter. Criteria: Invitae Variant Classification Sherloc (09022015). Collection method: clinical testing. Allele origin: germline.

CeGaT Center for Human Genetics Tuebingen
Classification: Likely benign. Last evaluated: 2025-05-01. Review status: criteria provided, single submitter. Criteria: CeGaT Center For Human Genetics Tuebingen Variant Classification Criteria Version 2. Collection method: clinical testing. Allele origin: germline. Affected: yes. Observed: 2 variant alleles.
Comment: PYROXD1: BP4, BS2

Mayo Clinic Laboratories, Mayo Clinic
Classification: Benign. Last evaluated: 2025-03-28. Review status: criteria provided, single submitter. Criteria: ACMG Guidelines, 2015. Collection method: clinical testing. Allele origin: germline. Observed: 1 variant allele.
Comment: BA1, BP4_strong

PreventionGenetics, part of Exact Sciences
Classification: Likely benign for PYROXD1-related condition. Last evaluated: 2019-05-14. Review status: no assertion criteria provided. Collection method: clinical testing. Allele origin: germline. Not counted in ClinVar's aggregate classification.
Comment: This variant is classified as likely benign based on ACMG/AMP sequence variant interpretation guidelines (Richards et al. 2015 PMID: 25741868, with internal and published modifications).

NM_024854.5(PYROXD1):c.834G>C (p.Lys278Asn)

Gene: PYROXD1 (pyridine nucleotide-disulphide oxidoreductase domain 1; plus strand). Cytogenetic location: 12p12.1.
Variant type: single nucleotide variant.
Coding change: c.834G>C on transcript NM_024854.5 (MANE Select); coding-DNA position 834, G replaced by C.
Protein change: p.Lys278Asn; replaces lysine 278 with asparagine.
Molecular consequence: missense variant.
Genome position (GRCh38, 1-based): chr12:21,461,108, G>C. VCF-style: chr12-21461108-G-C. GRCh37 (hg19) VCF-style: chr12-21614042-G-C.
Other names: p.Lys278Asn; c.621G>C, p.Lys207Asn (NM_001350912.2); c.57G>C, p.Lys19Asn (NM_001350913.2); short protein forms K19N, K207N, K278N.
Identifiers: ClinVar variation 739807 (VCV000739807.34), dbSNP rs147541231, ClinGen allele CA6478344.